The following is an entry in ClinVar:

NM_000083.3(CLCN1):c.2595+58G>C

Gene: CLCN1 (chloride voltage-gated channel 1; plus strand). Cytogenetic location: 7q34.
Variant type: single nucleotide variant.
Coding change: c.2595+58G>C on transcript NM_000083.3 (MANE Select); 58 bases into the intron after coding-DNA position 2595, G replaced by C.
Molecular consequence: intron variant.
Genome position (GRCh38, 1-based): chr7:143,350,712, G>C. VCF-style: chr7-143350712-G-C. GRCh37 (hg19) VCF-style: chr7-143047805-G-C.
Identifiers: ClinVar variation 679596 (VCV000679596.1), dbSNP rs114841412, ClinGen allele CA168230815.

ClinVar aggregate classification (germline): Likely benign (1 of 4 stars; one submission).

Allele frequency attached by ClinVar (database versions not stated): 1000 Genomes Project 30x 0.00344; 1000 Genomes Project 0.00359; TOPMed 0.00409; ESP Exome Variant Server 0.00526.
gnomAD v4.1: 996 of 1,210,362 alleles (0.082%); highest among the groups gnomAD compares: African/African-American, 1.4%; 9 homozygotes.

Submission:

GeneDx
Classification: Likely benign. Last evaluated: 2018-06-18. Review status: criteria provided, single submitter. Criteria: GeneDx Variant Classification (06012015). Collection method: clinical testing. Allele origin: germline. Affected: yes.
Comment: This variant is considered likely benign or benign based on one or more of the following criteria: it is a conservative change, it occurs at a poorly conserved position in the protein, it is predicted to be benign by multiple in silico algorithms, and/or has population frequency not consistent with disease.